The following is an entry in ClinVar:

NM_001267550.2(TTN):c.91681T>C (p.Phe30561Leu)

Genes: TTN (titin; minus strand), TTN-AS1 (TTN antisense RNA 1; plus strand). Cytogenetic location: 2q31.2.
Variant type: single nucleotide variant.
Coding change: c.91681T>C on transcript NM_001267550.2 (MANE Select); coding-DNA position 91681, T replaced by C.
Protein change: p.Phe30561Leu; replaces phenylalanine 30561 with leucine.
Molecular consequence: missense variant.
Genome position (GRCh38, 1-based): chr2:178,550,157, A>G on the plus strand (T>C on the coding strand, the complement: TTN is on the minus strand). VCF-style: chr2-178550157-A-G. GRCh37 (hg19) VCF-style: chr2-179414884-A-G.
Other names: c.86758T>C, p.Phe28920Leu (NM_001256850.1); c.64486T>C, p.Phe21496Leu (NM_003319.4); c.83977T>C, p.Phe27993Leu (NM_133378.4); c.64861T>C, p.Phe21621Leu (NM_133432.3); c.65062T>C, p.Phe21688Leu (NM_133437.4); short protein forms F21496L, F21621L, F21688L, F27993L, F28920L, F30561L.
Identifiers: ClinVar variation 3765784 (VCV003765784.1).
Genomic context (GRCh38, chr2:178,550,157, plus strand): 5'-ATCCAAGTACGTCGGTTATTTCCATATTCATCCTCTTTTCGATTTCCACTCCATCTTTGA[A>G]CCAAGTTACTCGAGGCACTGGTCTTCCTTGTACCAAAGCTTTAATTCTAAGGCTCTCTCC-3'
Protein context (NP_001254479.2, residues 30551-30571): QGRPVPRVTW[Phe30561Leu]KDGVEIEKRM

ClinVar aggregate classification (germline): Uncertain significance (1 of 4 stars; one submission).

Submission:

Greenwood Genetic Center Diagnostic Laboratories, Greenwood Genetic Center
Classification: Uncertain significance. Last evaluated: 2024-11-21. Review status: criteria provided, single submitter. Criteria: ACMG Guidelines, 2015. Collection method: clinical testing. Allele origin: germline. Affected: yes.
Comment: PM2, BP4